The following is an entry in ClinVar:

NM_014249.4(NR2E3):c.373C>T (p.Arg125Ter)

Gene: NR2E3 (nuclear receptor subfamily 2 group E member 3; plus strand). Cytogenetic location: 15q23.
Variant type: single nucleotide variant.
Coding change: c.373C>T on transcript NM_014249.4 (MANE Select); coding-DNA position 373, C replaced by T.
Protein change: p.Arg125Ter; replaces arginine 125 with a stop codon.
Molecular consequence: nonsense.
Genome position (GRCh38, 1-based): chr15:71,811,978, C>T. VCF-style: chr15-71811978-C-T. GRCh37 (hg19) VCF-style: chr15-72104318-C-T.
Other names: c.373C>T (NM_014249.2); c.373C>T, p.Arg125Ter (NM_016346.4); short protein forms R125*.
Identifiers: ClinVar variation 191060 (VCV000191060.16), dbSNP rs786205493, ClinGen allele CA235932.
Genomic context (GRCh38, chr15:71,811,978, plus strand): 5'-GACTGGCGTGTCGTCCTGACCCTTCCTGCCTCCCCAGCCGTGCAGAACGAGCGCCAGCCG[C>T]GAAGCACAGCCCAGGTCCACCTGGACAGCATGGAGTCCAACACTGAGTCCCGGCCGGAGT-3'

ClinVar aggregate classification (germline): Pathogenic/Likely pathogenic. Review status: criteria provided, multiple submitters, no conflicts (2 of 4 stars). 8 submissions from 8 submitters: Pathogenic (6); Likely pathogenic (2). Last evaluated 2025-08-07.

Conditions:
NR2E3-related disorder. Also called: NR2E3-related condition; NR2E3-related disorders. Identifiers: MedGen CN239387.
Retinal dystrophy. Also called: Inherited retinal dystrophy. Identifiers: Orphanet 71862, MedGen C0854723, MeSH D058499, MONDO:0019118, HP:0000556.
Retinitis pigmentosa 37 (RP37). Identifiers: Orphanet 791, MedGen C1970163, MONDO:0012625, OMIM 611131.
Enhanced S-cone syndrome (ESCS). Identifiers: Orphanet 53540, MedGen C1849394, MONDO:0100288, MONDO:0009989.

Allele frequency attached by ClinVar (database versions not stated): gnomAD 0.00001; TOPMed 0.00001.
gnomAD v4.1: 18 of 1,552,424 alleles (0.0012%); highest among the groups gnomAD compares: Non-Finnish European, 0.0012%; no homozygotes.

Submissions (8):

Natera, Inc.
Classification: Pathogenic for Enhanced S cone syndrome. Last evaluated: 2025-08-07. Review status: criteria provided, single submitter. Criteria: Natera Variant Classification Schema (03/2026). Collection method: clinical testing. Allele origin: germline.
Comment: The c.373C>T variant in NR2E3 is a nonsense variant predicted to introduce a stop codon at amino acid 125. This variant is expected to result in nonsense mediated decay, truncation, or a dysfunctional protein product. This variant is rare in the general population with a frequency below the threshold expected for the associated phenotype(s). This variant has been observed in one or more individuals affected with the associated recessive disease, as either homozygous or compound heterozygous with a second variant (PMID: 37628579, 33819700). Given the available evidence, this variant is classified as Pathogenic.

Labcorp Genetics (formerly Invitae), Labcorp
Classification: Pathogenic. Last evaluated: 2025-04-28. Review status: criteria provided, single submitter. Criteria: Invitae Variant Classification Sherloc (09022015). Collection method: clinical testing. Allele origin: germline.
Comment: This sequence change creates a premature translational stop signal (p.Arg125*) in the NR2E3 gene. It is expected to result in an absent or disrupted protein product. Loss-of-function variants in NR2E3 are known to be pathogenic (PMID: 15459973, 27522502). The frequency data for this variant in the population databases is considered unreliable, as metrics indicate poor data quality at this position in the gnomAD database. This premature translational stop signal has been observed in individual(s) with autosomal recessive NR2E3-related conditions (PMID: 23039133, 26355662). ClinVar contains an entry for this variant (Variation ID: 191060). For these reasons, this variant has been classified as Pathogenic.

Fulgent Genetics
Classification: Pathogenic for ENHANCED S-CONE SYNDROME 1; Retinitis pigmentosa 37. Last evaluated: 2024-02-12. Review status: criteria provided, single submitter. Criteria: ACMG Guidelines, 2015. Collection method: clinical testing. Allele origin: germline.

Baylor Genetics
Classification: Pathogenic for ENHANCED S-CONE SYNDROME 1. Last evaluated: 2024-01-29. Review status: criteria provided, single submitter. Criteria: ACMG Guidelines, 2015. Collection method: clinical testing. Allele origin: unknown.

Blueprint Genetics
Classification: Pathogenic for NR2E3-related disorders. Last evaluated: 2023-03-03. Review status: criteria provided, single submitter. Criteria: ACMG Guidelines, 2015. Collection method: clinical testing. Allele origin: germline. Affected: yes. Observed: 5 variant alleles.

Ocular Genomics Institute, Massachusetts Eye and Ear
Classification: Likely pathogenic for Retinitis pigmentosa 37. Last evaluated: 2021-04-08. Review status: criteria provided, single submitter. Criteria: ACMG Guidelines, 2015. Collection method: research. Allele origin: germline. Affected: yes.
Comment: Through a review of available evidence we were able to apply the following criteria: PVS1, PM2. Based on this evidence we have classified this variant as Likely Pathogenic.

Institute of Human Genetics, Univ. Regensburg, Univ. Regensburg
Classification: Pathogenic for Retinal dystrophy. Last evaluated: 2012-01-01. Review status: criteria provided, single submitter. Criteria: ACMG Guidelines, 2015. Collection method: clinical testing. Allele origin: germline. Affected: yes.

Genomic Medicine Center of Excellence, King Faisal Specialist Hospital and Research Centre
Classification: Likely pathogenic. Review status: criteria provided, single submitter. Criteria: ACMG Guidelines, 2015. Collection method: research. Allele origin: germline. Affected: yes.

Literature cited by the submitters: PubMed 37628579 (cited by Natera, Inc.); PubMed 33819700 (cited by Natera, Inc.); PubMed 15459973 (cited by Labcorp Genetics (formerly Invitae), Labcorp); PubMed 27522502 (cited by Labcorp Genetics (formerly Invitae), Labcorp); PubMed 23039133 (cited by Labcorp Genetics (formerly Invitae), Labcorp and Institute of Human Genetics, Univ. Regensburg, Univ. Regensburg); PubMed 26355662 (cited by Labcorp Genetics (formerly Invitae), Labcorp and Institute of Human Genetics, Univ. Regensburg, Univ. Regensburg).